The following is an entry in ClinVar:

NM_001256012.3(MYH10):c.2599C>T (p.Arg867Ter)

Genes: MYH10 (myosin heavy chain 10; minus strand), LOC126862486 (BRD4-independent group 4 enhancer GRCh37_chr17:8416542-8417741; plus strand). Cytogenetic location: 17p13.1.
Variant type: single nucleotide variant.
Coding change: c.2599C>T on transcript NM_001256012.3 (MANE Select); coding-DNA position 2599, C replaced by T.
Protein change: p.Arg867Ter; replaces arginine 867 with a stop codon.
Molecular consequence: nonsense.
Genome position (GRCh38, 1-based): chr17:8,513,800, G>A on the plus strand (C>T on the coding strand, the complement: MYH10 is on the minus strand). VCF-style: chr17-8513800-G-A. GRCh37 (hg19) VCF-style: chr17-8417118-G-A.
Other names: c.2533C>T, p.Arg845Ter (NM_001256095.2); c.2536C>T, p.Arg846Ter (NM_001375266.1); c.2506C>T, p.Arg836Ter (NM_005964.5); short protein forms R836*, R845*, R846*, R867*.
Identifiers: ClinVar variation 3389451 (VCV003389451.14).
Genomic context (GRCh38, chr17:8,513,800, plus strand): 5'-ACTCTGCTATTTGAAAGGGATCTGGAAAGAAGTGAGCCAAGCTCACCTTTGTGAAGACTC[G>A]CCACCACTGCCAGTGCCGTAATTTCAGGTACGCGGCACAGTTCCGCTGCAAGACCTTTAA-3'

ClinVar aggregate classification (germline): Uncertain significance (1 of 4 stars; one submission).

Submission:

CeGaT Center for Human Genetics Tuebingen
Classification: Uncertain significance. Last evaluated: 2024-09-01. Review status: criteria provided, single submitter. Criteria: CeGaT Center For Human Genetics Tuebingen Variant Classification Criteria Version 2. Collection method: clinical testing. Allele origin: germline. Affected: yes. Observed: 1 variant allele.
Comment: MYH10: PM2